The following is an entry in ClinVar:

NM_153252.5(BRWD3):c.2327A>T (p.Asn776Ile)

Gene: BRWD3 (bromodomain and WD repeat domain containing 3; minus strand). Cytogenetic location: Xq21.1.
Variant type: single nucleotide variant.
Coding change: c.2327A>T on transcript NM_153252.5 (MANE Select); coding-DNA position 2327, A replaced by T.
Protein change: p.Asn776Ile; replaces asparagine 776 with isoleucine.
Molecular consequence: missense variant.
Genome position (GRCh38, 1-based): chrX:80,709,576, T>A on the plus strand (A>T on the coding strand, the complement: BRWD3 is on the minus strand). VCF-style: chrX-80709576-T-A. GRCh37 (hg19) VCF-style: chrX-79965075-T-A.
Other names: short protein forms N776I.
Identifiers: ClinVar variation 390484 (VCV000390484.2), dbSNP rs1057523789, ClinGen allele CA16608962.

ClinVar aggregate classification (germline): Uncertain significance (1 of 4 stars; one submission).

Allele frequency attached by ClinVar (database versions not stated): gnomAD exomes below 0.00001 and 0.00001.
gnomAD v4.1: 2 of 1,208,077 alleles (0.00017%); highest among the groups gnomAD compares: South Asian, 0.0018%; no homozygotes.

Submission:

GeneDx
Classification: Uncertain significance. Last evaluated: 2016-11-13. Review status: criteria provided, single submitter. Criteria: GeneDx Variant Classification (06012015). Collection method: clinical testing. Allele origin: germline. Affected: yes.
Comment: The N776I variant in the BRWD3 gene has not been reported previously as a pathogenic variant, nor as a benign variant, to our knowledge. The N776I variant was not observed in approximately 6,500 individuals of European and African American ancestry in the NHLBI Exome Sequencing Project, indicating it is not a common benign variant in these populations. The N776I variant is a non-conservative amino acid substitution, which is likely to impact secondary protein structure as these residues differ in polarity, charge, size and/or other properties. This substitution occurs at a position where amino acids with similar properties to Asparagine are tolerated across species. In silico analysis predicts this variant is probably damaging to the protein structure/function. We interpret N776I as a variant of uncertain significance.